The following is an entry in ClinVar:

NM_000051.4(ATM):c.2637A>G (p.Ile879Met)

Gene: ATM (ATM serine/threonine kinase; plus strand). Cytogenetic location: 11q22.3.
Variant type: single nucleotide variant.
Coding change: c.2637A>G on transcript NM_000051.4 (MANE Select); coding-DNA position 2637, A replaced by G.
Protein change: p.Ile879Met; replaces isoleucine 879 with methionine.
Molecular consequence: missense variant.
Genome position (GRCh38, 1-based): chr11:108,267,341, A>G. VCF-style: chr11-108267341-A-G. GRCh37 (hg19) VCF-style: chr11-108138068-A-G.
Other names: c.2637A>G, p.Ile879Met (NM_001351834.2); c.2637A>G (NM_000051.3); short protein forms I879M.
Identifiers: ClinVar variation 1060859 (VCV001060859.10), dbSNP rs1449494151, ClinGen allele CA382544364.

ClinVar aggregate classification (germline): Conflicting classifications of pathogenicity. Review status: criteria provided, conflicting classifications (1 of 4 stars). 2 submissions from 2 submitters: Uncertain significance (1); Likely benign (1). Last evaluated 2026-09-08.

Conditions:
Hereditary cancer-predisposing syndrome. Also called: Tumor predisposition; Hereditary Cancer Syndrome; Hereditary neoplastic syndrome; Neoplastic Syndromes, Hereditary. Identifiers: Orphanet 140162, MedGen C0027672, MeSH D009386, MONDO:0015356.
Ataxia-telangiectasia syndrome (AT). Also called: Ataxia telangiectasia (A-T); Cerebello-oculocutaneous telangiectasia; Immunodeficiency with ataxia telangiectasia; Ataxia-telangiectasia, complementation group E; LOUIS-BAR SYNDROME; Ataxia-telangiectasia. Identifiers: Orphanet 100, MedGen C0004135, MONDO:0008840, OMIM 208900.

Allele frequency attached by ClinVar (database versions not stated): gnomAD exomes below 0.00001; gnomAD 0.00001.
gnomAD v4.1: 3 of 1,613,622 alleles (0.00019%); highest among the groups gnomAD compares: Admixed American, 0.0017%; no homozygotes.

Submissions (2):

Ambry Genetics
Classification: Likely benign for Hereditary cancer-predisposing syndrome. Last evaluated: 2026-09-08. Review status: criteria provided, single submitter. Criteria: Ambry Variant Classification Scheme 2023. Collection method: clinical testing. Allele origin: germline.

Labcorp Genetics (formerly Invitae), Labcorp
Classification: Uncertain significance for Ataxia-telangiectasia syndrome. Last evaluated: 2024-05-09. Review status: criteria provided, single submitter. Criteria: Invitae Variant Classification Sherloc (09022015). Collection method: clinical testing. Allele origin: germline.
Comment: This sequence change replaces isoleucine, which is neutral and non-polar, with methionine, which is neutral and non-polar, at codon 879 of the ATM protein (p.Ile879Met). This variant is present in population databases (no rsID available, gnomAD no frequency). This variant has not been reported in the literature in individuals affected with ATM-related conditions. ClinVar contains an entry for this variant (Variation ID: 1060859). An algorithm developed to predict the effect of missense changes on protein structure and function (PolyPhen-2) suggests that this variant is likely to be tolerated. In summary, the available evidence is currently insufficient to determine the role of this variant in disease. Therefore, it has been classified as a Variant of Uncertain Significance.